The following is an entry in ClinVar:

ClinVar aggregate classification (germline): Uncertain significance (1 of 4 stars; one submission).

Allele frequency attached by ClinVar (database versions not stated): gnomAD exomes below 0.00001.
gnomAD v4.1: 1 of 1,614,108 alleles (0.000062%); highest among the groups gnomAD compares: Non-Finnish European, 0.000085%; no homozygotes.

Submission:

Labcorp Genetics (formerly Invitae), Labcorp
Classification: Uncertain significance. Last evaluated: 2024-11-05. Review status: criteria provided, single submitter. Criteria: Invitae Variant Classification Sherloc (09022015). Collection method: clinical testing. Allele origin: germline.
Comment: This sequence change replaces glycine, which is neutral and non-polar, with arginine, which is basic and polar, at codon 494 of the LOXL3 protein (p.Gly494Arg). This variant is not present in population databases (gnomAD no frequency). This variant has not been reported in the literature in individuals affected with LOXL3-related conditions. ClinVar contains an entry for this variant (Variation ID: 2700201). An algorithm developed to predict the effect of missense changes on protein structure and function (PolyPhen-2) suggests that this variant is likely to be disruptive. In summary, the available evidence is currently insufficient to determine the role of this variant in disease. Therefore, it has been classified as a Variant of Uncertain Significance.

NM_032603.5(LOXL3):c.1480G>A (p.Gly494Arg)

Gene: LOXL3 (lysyl oxidase like 3; minus strand). Cytogenetic location: 2p13.1.
Variant type: single nucleotide variant.
Coding change: c.1480G>A on transcript NM_032603.5 (MANE Select); coding-DNA position 1480, G replaced by A.
Protein change: p.Gly494Arg; replaces glycine 494 with arginine.
Molecular consequence: missense variant.
Genome position (GRCh38, 1-based): chr2:74,535,391, C>T on the plus strand (G>A on the coding strand, the complement: LOXL3 is on the minus strand). VCF-style: chr2-74535391-C-T. GRCh37 (hg19) VCF-style: chr2-74762518-C-T.
Other names: c.1045G>A, p.Gly349Arg (NM_001289164.3); c.397G>A, p.Gly133Arg (NM_001289165.2); short protein forms G349R, G133R, G494R.
Identifiers: ClinVar variation 2700201 (VCV002700201.3), dbSNP rs1356205386, ClinGen allele CA347387401.